The following is an entry in ClinVar:

NM_005502.4(ABCA1):c.1760G>A (p.Arg587Gln)

Gene: ABCA1 (ATP binding cassette subfamily A member 1; minus strand). Cytogenetic location: 9q31.1.
Variant type: single nucleotide variant.
Coding change: c.1760G>A on transcript NM_005502.4 (MANE Select); coding-DNA position 1760, G replaced by A.
Protein change: p.Arg587Gln; replaces arginine 587 with glutamine.
Molecular consequence: missense variant.
Genome position (GRCh38, 1-based): chr9:104,831,057, C>T on the plus strand (G>A on the coding strand, the complement: ABCA1 is on the minus strand). VCF-style: chr9-104831057-C-T. GRCh37 (hg19) VCF-style: chr9-107593338-C-T.
Other names: short protein forms R587Q.
Identifiers: ClinVar variation 4997108 (VCV004997108.1).
Genomic context (GRCh38, chr9:104,831,057, plus strand): 5'-ACCCTGATGATTGCCTGCTCCACCACATCCTGCAAGTAGGCGAAGCCCCCCCAGACGTAC[C>T]GCATGTCCTCAAAGGGGTCAGCTCGAGGACCAGGGTCCCAGTACCTAAAACCAAACCACA-3'
Protein context (NP_005493.2, residues 577-597): GPRADPFEDM[Arg587Gln]YVWGGFAYLQ

ClinVar aggregate classification (germline): Uncertain significance (1 of 4 stars; one submission).

Conditions:
ABCA1-related disorder. Also called: ABCA1-related disorders; ABCA1-related condition. Identifiers: MedGen CN239173.

gnomAD v4.1: 12 of 1,613,210 alleles (0.00074%); highest among the groups gnomAD compares: Admixed American, 0.0017%; no homozygotes.

Submission:

PreventionGenetics, part of Exact Sciences
Classification: Uncertain significance for ABCA1-related condition. Last evaluated: 2024-11-14. Review status: criteria provided, single submitter. Criteria: ACMG Guidelines, 2015. Collection method: clinical testing. Allele origin: germline.
Comment: The ABCA1 c.1760G>A variant is predicted to result in the amino acid substitution p.Arg587Gln. To our knowledge, this variant has not been reported in the literature or in a large population database (gnomAD), indicating it is rare. An alternate missense substitution affecting the same amino acid (p.Arg587Trp) has been reported in multiple individuals with Tangier disease (Bertolini et al. 2001. PubMed ID: 11257260; Singaraja et al. 2006. PubMed ID: 16873719; Théaudin et al. 2008. PubMed ID: 18625867). At this time, the clinical significance of the c.1760G>A (p.Arg587Gln) variant is uncertain due to the absence of conclusive functional and genetic evidence.